The following is an entry in ClinVar:

ClinVar aggregate classification (germline): Uncertain significance (1 of 4 stars; one submission).

Conditions:
Frontotemporal dementia and/or amyotrophic lateral sclerosis 7 (FTDALS7). Also called: Amyotrophic lateral sclerosis 17; AMYOTROPHIC LATERAL SCLEROSIS, CHMP2B-RELATED; CHMP2B-related frontotemporal dementia; CHMP2B-Related Frontotemporal Dementia-Amyotrophic Lateral Sclerosis. Identifiers: Orphanet 275864, Orphanet 282, Orphanet 803, MedGen C1833296, MONDO:0010936, OMIM 600795.

Submission:

Labcorp Genetics (formerly Invitae), Labcorp
Classification: Uncertain significance for Frontotemporal dementia and/or amyotrophic lateral sclerosis 7. Last evaluated: 2021-12-01. Review status: criteria provided, single submitter. Criteria: Invitae Variant Classification Sherloc (09022015). Collection method: clinical testing. Allele origin: germline.
Comment: Algorithms developed to predict the effect of missense changes on protein structure and function are either unavailable or do not agree on the potential impact of this missense change (SIFT: "Tolerated"; PolyPhen-2: "Possibly Damaging"; Align-GVGD: "Class C0"). In summary, the available evidence is currently insufficient to determine the role of this variant in disease. Therefore, it has been classified as a Variant of Uncertain Significance. This variant has not been reported in the literature in individuals affected with CHMP2B-related conditions. This variant is not present in population databases (gnomAD no frequency). This sequence change replaces asparagine, which is neutral and polar, with aspartic acid, which is acidic and polar, at codon 143 of the CHMP2B protein (p.Asn143Asp).

NM_014043.4(CHMP2B):c.427A>G (p.Asn143Asp)

Gene: CHMP2B (charged multivesicular body protein 2B; plus strand). Cytogenetic location: 3p11.2.
Variant type: single nucleotide variant.
Coding change: c.427A>G on transcript NM_014043.4 (MANE Select); coding-DNA position 427, A replaced by G.
Protein change: p.Asn143Asp; replaces asparagine 143 with aspartic acid.
Molecular consequence: missense variant.
Genome position (GRCh38, 1-based): chr3:87,253,406, A>G. VCF-style: chr3-87253406-A-G. GRCh37 (hg19) VCF-style: chr3-87302556-A-G.
Other names: c.304A>G, p.Asn102Asp (NM_001244644.2); short protein forms N102D, N143D.
Identifiers: ClinVar variation 1491936 (VCV001491936.6), dbSNP rs2106916834, ClinGen allele CA353697451.